The following is an entry in ClinVar:

NM_024592.5(SRD5A3):c.176dup (p.Pro60fs)

Gene: SRD5A3 (steroid 5 alpha-reductase 3; plus strand). Cytogenetic location: 4q12.
Variant type: Duplication.
Coding change: c.176dup on transcript NM_024592.5 (MANE Select); coding-DNA position 176, one base duplicated (A; older notation c.176dupA).
Protein change: p.Pro60fs; shifts the reading frame from proline 60.
Molecular consequence: frameshift variant.
Genome position (GRCh38, 1-based): chr4:55,346,512, A duplicated. VCF-style (leftmost placement, unchanged base first): chr4-55346511-G-GA. GRCh37 (hg19) VCF-style: chr4-56212678-G-GA.
Other names: c.176dup, p.Pro60fs (NM_001410732.1); short protein forms P60fs.
Identifiers: ClinVar variation 2571874 (VCV002571874.2), dbSNP rs1317517756, ClinGen allele CA796416948.

ClinVar aggregate classification (germline): Likely pathogenic. Review status: criteria provided, multiple submitters, no conflicts (2 of 4 stars). 2 submissions from 2 submitters: Likely pathogenic (2). Last evaluated 2024-01-22.

Conditions:
SRD5A3-related disorder. Also called: SRD5A3-Related Disorders; SRD5A3-related condition.

Allele frequency attached by ClinVar (database versions not stated): TOPMed below 0.00001.

Submissions (2):

Blueprint Genetics
Classification: Likely pathogenic for SRD5A3-related disorders. Last evaluated: 2024-01-22. Review status: criteria provided, single submitter. Criteria: ACMG Guidelines, 2015. Collection method: clinical testing. Allele origin: germline. Affected: yes. Observed: 3 variant alleles.

GeneDx
Classification: Likely pathogenic. Last evaluated: 2023-01-05. Review status: criteria provided, single submitter. Criteria: GeneDx Variant Classification Process June 2021. Collection method: clinical testing. Allele origin: germline. Affected: yes.
Comment: Reported as c.175_176insA, zygosity unknown, in an individual with retinitis pigmentosa, cerebellar ataxia, cognitive impairment, axonal polyneuropathy with demyelinating features, and actional tremor in the published literature (Vural et al., 2013); Frameshift variant predicted to result in protein truncation or nonsense mediated decay in a gene for which loss of function is a known mechanism of disease; Not observed at significant frequency in large population cohorts (gnomAD); This variant is associated with the following publications: (PMID: 23775883)